The following is an entry in ClinVar:

ClinVar aggregate classification (germline): Uncertain significance. Review status: criteria provided, multiple submitters, no conflicts (2 of 4 stars). 2 submissions from 2 submitters: Uncertain significance (2). Last evaluated 2026-01-21.

Conditions:
Hyperaldosteronism, familial, type IV (HALD4). Also called: FH IV; ALDOSTERONISM, PRIMARY, AND HYPERTENSION. Identifiers: Orphanet 642671, MedGen C4310756, MONDO:0014875, OMIM 617027.
Epilepsy, childhood absence, susceptibility to, 6. Identifiers: Orphanet 64280, MedGen C2749872, MONDO:0012763, OMIM 611942.
Idiopathic generalized epilepsy. Also called: Generalised epilepsy; EIG. Identifiers: MedGen C0270850, MONDO:0005579, OMIM 600669.

Allele frequency attached by ClinVar (database versions not stated): gnomAD exomes 0.00001 and 0.00003; gnomAD 0.00002; TOPMed 0.00002; ExAC 0.00004; ESP Exome Variant Server 0.00008.
gnomAD v4.1: 17 of 1,603,972 alleles (0.0011%); highest among the groups gnomAD compares: African/African-American, 0.0067%; no homozygotes.

Submissions (2):

Labcorp Genetics (formerly Invitae), Labcorp
Classification: Uncertain significance for Idiopathic generalized epilepsy; Hyperaldosteronism, familial, type IV. Last evaluated: 2026-01-21. Review status: criteria provided, single submitter. Criteria: Invitae Variant Classification Sherloc (09022015). Collection method: clinical testing. Allele origin: germline.
Comment: This sequence change replaces leucine, which is neutral and non-polar, with phenylalanine, which is neutral and non-polar, at codon 1754 of the CACNA1H protein (p.Leu1754Phe). This variant is present in population databases (rs369220355, gnomAD 0.007%). This variant has not been reported in the literature in individuals affected with CACNA1H-related conditions. ClinVar contains an entry for this variant (Variation ID: 947356). Invitae Evidence Modeling of protein sequence and biophysical properties (such as structural, functional, and spatial information, amino acid conservation, physicochemical variation, residue mobility, and thermodynamic stability) indicates that this missense variant is expected to disrupt CACNA1H protein function with a positive predictive value of 80%. In summary, the available evidence is currently insufficient to determine the role of this variant in disease. Therefore, it has been classified as a Variant of Uncertain Significance.

Fulgent Genetics
Classification: Uncertain significance for Epilepsy, childhood absence, susceptibility to, 6; Hyperaldosteronism, familial, type IV. Last evaluated: 2022-03-11. Review status: criteria provided, single submitter. Criteria: ACMG Guidelines, 2015. Collection method: clinical testing. Allele origin: unknown.

NM_021098.3(CACNA1H):c.5260C>T (p.Leu1754Phe)

Gene: CACNA1H (calcium voltage-gated channel subunit alpha1 H; plus strand). Cytogenetic location: 16p13.3.
Variant type: single nucleotide variant.
Coding change: c.5260C>T on transcript NM_021098.3 (MANE Select); coding-DNA position 5260, C replaced by T.
Protein change: p.Leu1754Phe; replaces leucine 1754 with phenylalanine.
Molecular consequence: missense variant.
Genome position (GRCh38, 1-based): chr16:1,216,947, C>T. VCF-style: chr16-1216947-C-T. GRCh37 (hg19) VCF-style: chr16-1266947-C-T.
Other names: c.5242C>T, p.Leu1748Phe (NM_001005407.2); short protein forms L1748F, L1754F.
Identifiers: ClinVar variation 947356 (VCV000947356.10), dbSNP rs369220355, ClinGen allele CA7801931.